The following is an entry in ClinVar:

ClinVar aggregate classification (germline): Uncertain significance (1 of 4 stars; one submission).

Conditions:
Dyskeratosis congenita. Identifiers: Orphanet 1775, MedGen C0265965, MONDO:0015780.

Submission:

Ambry Genetics
Classification: Uncertain significance for Dyskeratosis congenita. Last evaluated: 2025-10-22. Review status: criteria provided, single submitter. Criteria: Ambry Variant Classification Scheme 2023. Collection method: clinical testing. Allele origin: germline.
Comment: The p.H1022Y variant (also known as c.3064C>T), located in coding exon 14 of the TERT gene, results from a C to T substitution at nucleotide position 3064. The histidine at codon 1022 is replaced by tyrosine, an amino acid with similar properties. This amino acid position is conserved. In addition, this alteration is predicted to be tolerated by in silico analysis. Based on the available evidence, the clinical significance of this variant remains unclear.

NM_198253.3(TERT):c.3064C>T (p.His1022Tyr)

Gene: TERT (telomerase reverse transcriptase; minus strand). Cytogenetic location: 5p15.33.
Variant type: single nucleotide variant.
Coding change: c.3064C>T on transcript NM_198253.3 (MANE Select); coding-DNA position 3064, C replaced by T.
Protein change: p.His1022Tyr; replaces histidine 1022 with tyrosine.
Molecular consequence: missense variant. On other transcripts: non-coding transcript variant (2).
Genome position (GRCh38, 1-based): chr5:1,255,380, G>A on the plus strand (C>T on the coding strand, the complement: TERT is on the minus strand). VCF-style: chr5-1255380-G-A. GRCh37 (hg19) VCF-style: chr5-1255495-G-A.
Other names: c.2875C>T, p.His959Tyr (NM_001193376.3); short protein forms H1022Y, H959Y.
Identifiers: ClinVar variation 4561670 (VCV004561670.1).